The following is an entry in ClinVar:

NM_022041.4(GAN):c.1544G>C (p.Ser515Thr)

Gene: GAN (gigaxonin; plus strand). Cytogenetic location: 16q23.2.
Variant type: single nucleotide variant.
Coding change: c.1544G>C on transcript NM_022041.4 (MANE Select); coding-DNA position 1544, G replaced by C.
Protein change: p.Ser515Thr; replaces serine 515 with threonine.
Molecular consequence: missense variant.
Genome position (GRCh38, 1-based): chr16:81,377,260, G>C. VCF-style: chr16-81377260-G-C. GRCh37 (hg19) VCF-style: chr16-81410865-G-C.
Other names: c.905G>C, p.Ser302Thr (NM_001377486.1); short protein forms S515T, S302T.
Identifiers: ClinVar variation 1497223 (VCV001497223.8), dbSNP rs2150698818, ClinGen allele CA396892094.

ClinVar aggregate classification (germline): Uncertain significance (1 of 4 stars; one submission).

Conditions:
Giant axonal neuropathy 1 (GAN1). Also called: GIANT AXONAL NEUROPATHY 1, AUTOSOMAL RECESSIVE; GAN-Related Neurodegeneration. Identifiers: Orphanet 643, MedGen C1850386, MONDO:0009749, OMIM 256850.

Submission:

Labcorp Genetics (formerly Invitae), Labcorp
Classification: Uncertain significance for Giant axonal neuropathy 1. Last evaluated: 2022-08-23. Review status: criteria provided, single submitter. Criteria: Invitae Variant Classification Sherloc (09022015). Collection method: clinical testing. Allele origin: germline.
Comment: In summary, the available evidence is currently insufficient to determine the role of this variant in disease. Therefore, it has been classified as a Variant of Uncertain Significance. Algorithms developed to predict the effect of missense changes on protein structure and function are either unavailable or do not agree on the potential impact of this missense change (SIFT: "Tolerated"; PolyPhen-2: "Possibly Damaging"; Align-GVGD: "Class C0"). ClinVar contains an entry for this variant (Variation ID: 1497223). This variant has not been reported in the literature in individuals affected with GAN-related conditions. This variant is not present in population databases (gnomAD no frequency). This sequence change replaces serine, which is neutral and polar, with threonine, which is neutral and polar, at codon 515 of the GAN protein (p.Ser515Thr).